The following is an entry in ClinVar:

NM_004360.5(CDH1):c.2637C>T (p.Gly879=)

Gene: CDH1 (cadherin 1; plus strand). Cytogenetic location: 16q22.1.
Variant type: single nucleotide variant.
Coding change: c.2637C>T on transcript NM_004360.5 (MANE Select); coding-DNA position 2637, C replaced by T.
Protein change: p.Gly879=; no amino-acid change (glycine 879 retained).
Molecular consequence: synonymous variant.
Genome position (GRCh38, 1-based): chr16:68,833,487, C>T. VCF-style: chr16-68833487-C-T. GRCh37 (hg19) VCF-style: chr16-68867390-C-T.
Other names: c.2637C>T (LRG_301t1, NM_004360.4); c.2454C>T, p.Gly818= (NM_001317184.2); c.1089C>T, p.Gly363= (NM_001317185.2); c.672C>T, p.Gly224= (NM_001317186.2).
Identifiers: ClinVar variation 184005 (VCV000184005.49), dbSNP rs141001592, ClinGen allele CA187459.

ClinVar aggregate classification (germline): Benign/Likely benign. Review status: criteria provided, multiple submitters, no conflicts (2 of 4 stars). 12 submissions from 12 submitters: Benign (4); Likely benign (7). 1 of the submissions does not count toward it. Last evaluated 2026-01-18.

Conditions:
Breast and/or ovarian cancer. Identifiers: MedGen CN221562.
Hereditary cancer-predisposing syndrome. Also called: Tumor predisposition; Neoplastic Syndromes, Hereditary; Hereditary Cancer Syndrome; Hereditary neoplastic syndrome. Identifiers: Orphanet 140162, MedGen C0027672, MeSH D009386, MONDO:0015356.
Hereditary diffuse gastric adenocarcinoma (HDGC). Also called: DIFFUSE GASTRIC AND LOBULAR BREAST CANCER SYNDROME. Identifiers: Orphanet 26106, MedGen C1708349, MONDO:0007648, OMIM 137215.

Allele frequency attached by ClinVar (database versions not stated): gnomAD exomes 0.00004 and 0.00006; ExAC 0.00005; TOPMed 0.00006; ESP Exome Variant Server 0.00015.
gnomAD v4.1: 63 of 1,613,438 alleles (0.0039%); highest among the groups gnomAD compares: African/African-American, 0.0093%; no homozygotes.

Submissions (12):

Labcorp Genetics (formerly Invitae), Labcorp
Classification: Benign for Hereditary diffuse gastric adenocarcinoma. Last evaluated: 2026-01-18. Review status: criteria provided, single submitter. Criteria: Invitae Variant Classification Sherloc (09022015). Collection method: clinical testing. Allele origin: germline.

CeGaT Center for Human Genetics Tuebingen
Classification: Likely benign. Last evaluated: 2024-11-01. Review status: criteria provided, single submitter. Criteria: CeGaT Center For Human Genetics Tuebingen Variant Classification Criteria Version 2. Collection method: clinical testing. Allele origin: germline. Affected: yes. Observed: 2 variant alleles.
Comment: CDH1: BP4, BP7

Blueprint Genetics
Classification: Likely benign. Last evaluated: 2024-09-25. Review status: criteria provided, single submitter. Criteria: ACMG Guidelines, 2015. Collection method: clinical testing. Allele origin: germline.

Myriad Genetics, Inc.
Classification: Benign for Hereditary diffuse gastric adenocarcinoma. Last evaluated: 2024-09-24. Review status: criteria provided, single submitter. Criteria: Myriad Autosomal Dominant, Autosomal Recessive and X-Linked Classification Criteria (2023). Collection method: clinical testing. Allele origin: unknown.
Comment: This variant is considered benign. This variant is a silent/synonymous amino acid change and it is not expected to impact splicing.

CHEO Genetics Diagnostic Laboratory, Children's Hospital of Eastern Ontario
Classification: Likely benign for Breast and/or ovarian cancer. Last evaluated: 2023-04-25. Review status: criteria provided, single submitter. Criteria: ACMG Guidelines, 2015. Collection method: clinical testing. Allele origin: germline.

European Reference Network on Genetic Tumour Risk Syndromes (ERN-GENTURIS), i3s - Instituto de Investigação e Inovação em Saúde, University of Porto
Classification: Likely benign for Hereditary diffuse gastric adenocarcinoma. Last evaluated: 2022-08-01. Review status: criteria provided, single submitter. Criteria: Lee et al. (Hum Mutat. 2018). Collection method: clinical testing. Allele origin: germline. Inheritance: Autosomal dominant inheritance. Affected: no. Study: ERN GENTURIS.
Comment: BS2_Supporting; BP7 (PMID: 30311375)

Sema4
Classification: Benign for Hereditary cancer-predisposing syndrome. Last evaluated: 2021-03-04. Review status: criteria provided, single submitter. Criteria: Sema4 Curation Guidelines. Collection method: curation. Allele origin: germline.

GeneDx
Classification: Likely benign. Last evaluated: 2018-01-25. Review status: criteria provided, single submitter. Criteria: GeneDx Variant Classification (06012015). Collection method: clinical testing. Allele origin: germline. Affected: yes.
Comment: This variant is considered likely benign or benign based on one or more of the following criteria: it is a conservative change, it occurs at a poorly conserved position in the protein, it is predicted to be benign by multiple in silico algorithms, and/or has population frequency not consistent with disease.

Women's Health and Genetics/Laboratory Corporation of America, LabCorp
Classification: Benign. Last evaluated: 2017-02-02. Review status: criteria provided, single submitter. Criteria: LabCorp Variant Classification Summary - May 2015. Collection method: clinical testing. Allele origin: germline.
Comment: Variant summary: The CDH1 c.2637C>T (p.Gly879Gly) variant involves the alteration of a non-conserved nucleotide, resulting in a synonymous change in the last exon (10bp upstream of the stop codon). One in silico tool predicts a damaging outcome for this variant. 5/5 splice prediction tools predict no significant impact on normal splicing. 5/5 splice prediction tools predict a gain of a cryptic splicing donor site. ESE finder predicts that this variant may affect ESE sites. However, these predictions have yet to be confirmed by functional studies. This variant was found in 6/121264 control chromosomes at a frequency of 0.0000495, which is approximately 2 times the estimated maximal expected allele frequency of a pathogenic CDH1 variant (0.0000283), suggesting this variant is likely a benign polymorphism. This variant was reported in Wilms' tumor sample without germline status confirmed. In addition, multiple clinical diagnostic laboratories/reputable databases classified this variant as benign/likely benign. Taken together, this variant is classified as benign.

Color Diagnostics, LLC DBA Color Health
Classification: Likely benign for Hereditary cancer-predisposing syndrome. Last evaluated: 2016-05-24. Review status: criteria provided, single submitter. Criteria: ACMG Guidelines, 2015. Collection method: clinical testing. Allele origin: germline.

Ambry Genetics
Classification: Likely benign for Hereditary cancer-predisposing syndrome. Last evaluated: 2014-12-22. Review status: criteria provided, single submitter. Criteria: Ambry Variant Classification Scheme 2023. Collection method: clinical testing. Allele origin: germline.

Department of Pathology and Laboratory Medicine, Sinai Health System
Classification: Likely benign. Review status: no assertion criteria provided. Collection method: clinical testing. Allele origin: unknown. Affected: yes. Observed: 1 variant allele. Study: The Canadian Open Genetics Repository (COGR). Not counted in ClinVar's aggregate classification.
Comment: The CDH1 p.Gly879= variant was identified in 1 of 270 proband chromosomes (frequency: 0.004) from individuals or families with carcinomas of the endometrium and ovary (Risinger 1994). The variant was also identified in the following databases: dbSNP (ID: rs141001592) as "With Likely benign allele", ClinVar (3x likely benign, 2x benign), Clinvitae, and the Zhejiang Colon Cancer Database (1x). The variant was not identified in Cosmic, MutDB, or the Insight Colon Cancer Gene Variant Database. The variant was identified in control databases in 15 of 246200 chromosomes at a frequency of 0.00006 (Genome Aggregation Database Feb 27, 2017). Breakdown of the observations by population include African in 4 of 15304 chromosomes (freq: 0.0003), European in 7 of 111662 chromosomes (freq: 0.00006), East Asian in 2 of 17248 chromosomes (freq: 0.0001), and South Asian in 2 of 30782 chromosomes (freq: 0.00007). The variant was not observed in the Other, Latino, Ashkenazi Jewish, or Finnish populations. Multiple studies have listed this variant as a polymorphism (Berx 1998, Risinger 1994). The p.Gly879= variant is not expected to have clinical significance because it does not result in a change of amino acid and is not located in a known consensus splice site. However, 5 of 5 in silico or computational prediction software programs (SpliceSiteFinder, MaxEntScan, NNSPLICE, GeneSplicer, HumanSpliceFinder) predict a greater than 10% difference in splicing. In summary, based on the above information the clinical significance of this variant cannot be determined with certainty at this time although we would lean towards a more benign role for this variant. This variant is classified as likely benign.

Literature cited by the submitters: PubMed 36436516 (cited by European Reference Network on Genetic Tumour Risk Syndromes (ERN-GENTURIS), i3s - Instituto de Investigação e Inovação em Saúde, University of Porto); PubMed 15750927 (cited by Women's Health and Genetics/Laboratory Corporation of America, LabCorp).